The following is an entry in ClinVar:

NM_000179.3(MSH6):c.3608A>G (p.His1203Arg)

Gene: MSH6 (mutS homolog 6; plus strand). Cytogenetic location: 2p16.3.
Variant type: single nucleotide variant.
Coding change: c.3608A>G on transcript NM_000179.3 (MANE Select); coding-DNA position 3608, A replaced by G.
Protein change: p.His1203Arg; replaces histidine 1203 with arginine.
Molecular consequence: missense variant.
Genome position (GRCh38, 1-based): chr2:47,805,669, A>G. VCF-style: chr2-47805669-A-G. GRCh37 (hg19) VCF-style: chr2-48032808-A-G.
Other names: c.3218A>G, p.His1073Arg (NM_001281492.2); c.2702A>G, p.His901Arg (NM_001281493.2, NM_001281494.2); short protein forms H1203R, H901R, H1073R.
Identifiers: ClinVar variation 934973 (VCV000934973.11), dbSNP rs1669964889, ClinGen allele CA346760564.

ClinVar aggregate classification (germline): Uncertain significance. Review status: criteria provided, multiple submitters, no conflicts (2 of 4 stars). 2 submissions from 2 submitters: Uncertain significance (2). Last evaluated 2025-09-06.

Conditions:
Hereditary nonpolyposis colorectal neoplasms. Identifiers: MedGen C0009405, MeSH D003123.
Hereditary cancer-predisposing syndrome. Also called: Tumor predisposition; Hereditary neoplastic syndrome; Hereditary Cancer Syndrome; Neoplastic Syndromes, Hereditary. Identifiers: Orphanet 140162, MedGen C0027672, MeSH D009386, MONDO:0015356.

Allele frequency attached by ClinVar (database versions not stated): gnomAD exomes below 0.00001.
gnomAD v4.1: 1 of 1,613,752 alleles (0.000062%); highest among the groups gnomAD compares: African/African-American, 0.0013%; no homozygotes.

Submissions (2):

Labcorp Genetics (formerly Invitae), Labcorp
Classification: Uncertain significance for Hereditary nonpolyposis colorectal neoplasms. Last evaluated: 2025-09-06. Review status: criteria provided, single submitter. Criteria: Invitae Variant Classification Sherloc (09022015). Collection method: clinical testing. Allele origin: germline.
Comment: This sequence change replaces histidine, which is basic and polar, with arginine, which is basic and polar, at codon 1203 of the MSH6 protein (p.His1203Arg). This variant is not present in population databases (gnomAD no frequency). This variant has not been reported in the literature in individuals affected with MSH6-related conditions. ClinVar contains an entry for this variant (Variation ID: 934973). Invitae Evidence Modeling of protein sequence and biophysical properties (such as structural, functional, and spatial information, amino acid conservation, physicochemical variation, residue mobility, and thermodynamic stability) indicates that this missense variant is not expected to disrupt MSH6 protein function with a negative predictive value of 95%. In summary, the available evidence is currently insufficient to determine the role of this variant in disease. Therefore, it has been classified as a Variant of Uncertain Significance.

Ambry Genetics
Classification: Uncertain significance for Hereditary cancer-predisposing syndrome. Last evaluated: 2023-11-22. Review status: criteria provided, single submitter. Criteria: Ambry Variant Classification Scheme 2023. Collection method: clinical testing. Allele origin: germline.
Comment: The p.H1203R variant (also known as c.3608A>G), located in coding exon 7 of the MSH6 gene, results from an A to G substitution at nucleotide position 3608. The histidine at codon 1203 is replaced by arginine, an amino acid with highly similar properties. This amino acid position is conserved. In addition, this alteration is predicted to be deleterious by in silico analysis. Since supporting evidence is limited at this time, the clinical significance of this alteration remains unclear.